The following is an entry in ClinVar:

NM_001365276.2(TNXB):c.9159G>A (p.Met3053Ile)

Gene: TNXB (tenascin XB; minus strand). Cytogenetic location: 6p21.33.
Variant type: single nucleotide variant.
Coding change: c.9159G>A on transcript NM_001365276.2 (MANE Select); coding-DNA position 9159, G replaced by A.
Protein change: p.Met3053Ile; replaces methionine 3053 with isoleucine.
Molecular consequence: missense variant.
Genome position (GRCh38, 1-based): chr6:32,050,278, C>T on the plus strand (G>A on the coding strand, the complement: TNXB is on the minus strand). VCF-style: chr6-32050278-C-T. GRCh37 (hg19) VCF-style: chr6-32018055-C-T.
Other names: c.9153G>A, p.Met3051Ile (NM_019105.8); short protein forms M3051I, M3053I.
Identifiers: ClinVar variation 1765975 (VCV001765975.24), dbSNP rs1026537163, ClinGen allele CA136901389.

ClinVar aggregate classification (germline): Uncertain significance. Review status: criteria provided, multiple submitters, no conflicts (2 of 4 stars). 2 submissions from 2 submitters: Uncertain significance (2). Last evaluated 2024-02-01.

Conditions:
Cardiovascular phenotype. Identifiers: MedGen CN230736.

Allele frequency attached by ClinVar (database versions not stated): gnomAD exomes 0.00003; gnomAD 0.00004; TOPMed 0.00005.
gnomAD v4.1: 53 of 1,613,222 alleles (0.0033%); highest among the groups gnomAD compares: Admixed American, 0.0067%; no homozygotes.

Submissions (2):

CeGaT Center for Human Genetics Tuebingen
Classification: Uncertain significance. Last evaluated: 2024-02-01. Review status: criteria provided, single submitter. Criteria: CeGaT Center For Human Genetics Tuebingen Variant Classification Criteria Version 2. Collection method: clinical testing. Allele origin: germline. Affected: yes. Observed: 1 variant allele.
Comment: TNXB: PM2, BP4

Ambry Genetics
Classification: Uncertain significance for Cardiovascular phenotype. Last evaluated: 2021-07-01. Review status: criteria provided, single submitter. Criteria: Ambry Variant Classification Scheme 2023. Collection method: clinical testing. Allele origin: germline.
Comment: The p.M3051I variant (also known as c.9153G>A), located in coding exon 26 of the TNXB gene, results from a G to A substitution at nucleotide position 9153. The methionine at codon 3051 is replaced by isoleucine, an amino acid with highly similar properties. This amino acid position is conserved. In addition, this alteration is predicted to be tolerated by in silico analysis. Since supporting evidence is limited at this time, the clinical significance of this alteration remains unclear.